The following is an entry in ClinVar:

NM_145207.3(AFG2A):c.1714+2054C>G

Gene: AFG2A (AAA ATPase AFG2A; plus strand). Cytogenetic location: 4q28.1.
Variant type: single nucleotide variant.
Coding change: c.1714+2054C>G on transcript NM_145207.3 (MANE Select); 2054 bases into the intron after coding-DNA position 1714, C replaced by G.
Molecular consequence: intron variant.
Genome position (GRCh38, 1-based): chr4:122,949,542, C>G. VCF-style: chr4-122949542-C-G. GRCh37 (hg19) VCF-style: chr4-123870697-C-G.
Other names: c.1711+2054C>G (NM_001345856.2, NM_001317799.2).
Identifiers: ClinVar variation 2655071 (VCV002655071.24), dbSNP rs149436377, ClinGen allele CA104831898.
Genomic context (GRCh38, chr4:122,949,542, plus strand): 5'-GGAGGAGAGGGGGAGCTCTCCGCAGACCCAGCAGTCTGTTTTCTTCTGGAGAGAGATAAC[C>G]ATCTGCACCCAGTCAGCAAAGAGGTTTGCGGCACACCATCTATGGGCAAAAGGTGAGTTG-3'

ClinVar aggregate classification (germline): Likely benign (1 of 4 stars; one submission).

Allele frequency attached by ClinVar (database versions not stated): 1000 Genomes Project 30x 0.00125; 1000 Genomes Project 0.00140; gnomAD 0.00178; TOPMed 0.00252.
gnomAD v4.1: 283 of 152,278 alleles (0.19%); highest among the groups gnomAD compares: Admixed American, 0.56%; 2 homozygotes.

Submission:

CeGaT Center for Human Genetics Tuebingen
Classification: Likely benign. Last evaluated: 2022-03-01. Review status: criteria provided, single submitter. Criteria: CeGaT Center For Human Genetics Tuebingen Variant Classification Criteria Version 2. Collection method: clinical testing. Allele origin: germline. Affected: yes. Observed: 1 variant allele.
Comment: AFG2A: BP4